The following is an entry in ClinVar:

ClinVar aggregate classification (germline): Uncertain significance (1 of 4 stars; one submission).

Conditions:
Congenital hypothyroidism. Identifiers: Orphanet 442, MedGen C0010308, MONDO:0018612, HP:0000851.

gnomAD v4.1: 12 of 1,614,186 alleles (0.00074%); highest among the groups gnomAD compares: Non-Finnish European, 0.00076%; no homozygotes.

Submission:

Cambridge Genomics Laboratory, East Genomic Laboratory Hub, NHS Genomic Medicine Service
Classification: Uncertain significance for Congenital hypothyroidism. Last evaluated: 2025-06-19. Review status: criteria provided, single submitter. Criteria: ACGS Best Practice Guidelines for Variant Classification in Rare Disease 2020. Collection method: clinical testing. Allele origin: germline. Affected: yes.
Comment: PM2,PP3

NM_003301.7(TRHR):c.367A>G (p.Arg123Gly)

Gene: TRHR (thyrotropin releasing hormone receptor; plus strand). Cytogenetic location: 8q23.1.
Variant type: single nucleotide variant.
Coding change: c.367A>G on transcript NM_003301.7 (MANE Select); coding-DNA position 367, A replaced by G.
Protein change: p.Arg123Gly; replaces arginine 123 with glycine.
Molecular consequence: missense variant.
Genome position (GRCh38, 1-based): chr8:109,087,879, A>G. VCF-style: chr8-109087879-A-G. GRCh37 (hg19) VCF-style: chr8-110100108-A-G.
Other names: short protein forms R123G.
Identifiers: ClinVar variation 4683171 (VCV004683171.1).
Genomic context (GRCh38, chr8:109,087,879, plus strand): 5'-TACCTCCAGTATTTGGGAATTAATGCATCCTCTTGTTCAATAACAGCCTTTACCATTGAG[A>G]GGTACATAGCAATCTGTCACCCCATCAAAGCCCAGTTTCTCTGCACATTTTCCAGAGCCA-3'
Protein context (NP_003292.1, residues 113-133): SCSITAFTIE[Arg123Gly]YIAICHPIKA